The following is an entry in ClinVar:

NM_001001888.4(VCX3B):c.543G>A (p.Glu181=)

Gene: VCX3B (variable charge X-linked 3B; plus strand). Cytogenetic location: Xp22.31.
Variant type: single nucleotide variant.
Coding change: c.543G>A on transcript NM_001001888.4 (MANE Select); coding-DNA position 543, G replaced by A.
Protein change: p.Glu181=; no amino-acid change (glutamic acid 181 retained).
Molecular consequence: synonymous variant.
Genome position (GRCh38, 1-based): chrX:8,466,185, G>A. VCF-style: chrX-8466185-G-A. GRCh37 (hg19) VCF-style: chrX-8434226-G-A.
Identifiers: ClinVar variation 2616911 (VCV002616911.9), dbSNP rs373782154, ClinGen allele CA10343348.
Genomic context (GRCh38, chrX:8,466,185, plus strand): 5'-GGAACCACTGAGTCAGGAGAGCGAGGTGGAAGAACCACTGAGTCAGGAGAGCCAGGTGGA[G>A]GAACCACTGAGTCAGGAGAGCGAGGTGGAAGAACCACTGAGTCAGGAGAGCCAGGTGGAG-3'
Protein context (NP_001001888.3, residues 171-191): EEPLSQESQV[Glu181=]EPLSQESEVE

ClinVar aggregate classification (germline): Likely benign. Review status: criteria provided, multiple submitters, no conflicts (2 of 4 stars). 2 submissions from 2 submitters: Likely benign (2). Last evaluated 2025-03-01.

Allele frequency attached by ClinVar (database versions not stated): ExAC 0.00011; gnomAD 0.00018.

Submissions (2):

CeGaT Center for Human Genetics Tuebingen
Classification: Likely benign. Last evaluated: 2025-03-01. Review status: criteria provided, single submitter. Criteria: CeGaT Center For Human Genetics Tuebingen Variant Classification Criteria Version 2. Collection method: clinical testing. Allele origin: germline. Affected: yes. Observed: 1 variant allele.
Comment: VCX3B: BP4, BP7

Ambry Genetics
Classification: Likely benign. Last evaluated: 2023-08-08. Review status: criteria provided, single submitter. Criteria: Ambry Variant Classification Scheme 2023. Collection method: clinical testing. Allele origin: germline.